The following is an entry in ClinVar:

ClinVar aggregate classification (germline): Likely benign (1 of 4 stars; one submission).

Allele frequency attached by ClinVar (database versions not stated): 1000 Genomes Project 0.00140; 1000 Genomes Project 30x 0.00141; ExAC 0.00374; gnomAD 0.00379; gnomAD exomes 0.00491.
gnomAD v4.1: 7,687 of 1,613,982 alleles (0.48%); highest among the groups gnomAD compares: Non-Finnish European, 0.52%; 22 homozygotes.

Submission:

CeGaT Center for Human Genetics Tuebingen
Classification: Likely benign. Last evaluated: 2023-03-01. Review status: criteria provided, single submitter. Criteria: CeGaT Center For Human Genetics Tuebingen Variant Classification Criteria Version 2. Collection method: clinical testing. Allele origin: germline. Affected: yes. Observed: 1 variant allele.
Comment: INSC: BS2

NM_001042536.3(INSC):c.1103C>A (p.Ala368Asp)

Gene: INSC (INSC spindle orientation adaptor protein; plus strand). Cytogenetic location: 11p15.2.
Variant type: single nucleotide variant.
Coding change: c.1103C>A on transcript NM_001042536.3 (MANE Select); coding-DNA position 1103, C replaced by A.
Protein change: p.Ala368Asp; replaces alanine 368 with aspartic acid.
Molecular consequence: missense variant.
Genome position (GRCh38, 1-based): chr11:15,225,761, C>A. VCF-style: chr11-15225761-C-A. GRCh37 (hg19) VCF-style: chr11-15247307-C-A.
Other names: c.1103C>A, p.Ala368Asp (NM_001278313.2, NM_001278315.2); c.1208C>A, p.Ala403Asp (NM_001278314.2); c.977C>A, p.Ala326Asp (NM_001278316.2); c.1244C>A, p.Ala415Asp (NM_001031853.5); short protein forms A326D, A368D, A403D, A415D.
Identifiers: ClinVar variation 2641625 (VCV002641625.24), dbSNP rs61748861, ClinGen allele CA5897693.